The following is an entry in ClinVar:

NM_001170629.2(CHD8):c.4474del (p.Leu1492fs)

Gene: CHD8 (chromodomain helicase DNA binding protein 8; minus strand). Cytogenetic location: 14q11.2.
Variant type: Deletion.
Coding change: c.4474del on transcript NM_001170629.2 (MANE Select); coding-DNA position 4474, one base deleted (C; older notation c.4474delC).
Protein change: p.Leu1492fs; shifts the reading frame from leucine 1492.
Molecular consequence: frameshift variant.
Genome position (GRCh38, 1-based): chr14:21,400,509, G deleted on the plus strand (C on the coding strand, the reverse complement: CHD8 is on the minus strand). VCF-style (leftmost placement, unchanged base first): chr14-21400508-AG-A. GRCh37 (hg19) VCF-style: chr14-21868667-AG-A.
Other names: c.3637del, p.Leu1213fs (NM_020920.4); short protein forms L1492fs, L1213fs.
Identifiers: ClinVar variation 4723485 (VCV004723485.1).

ClinVar aggregate classification (germline): Pathogenic (1 of 4 stars; one submission).

Submission:

Labcorp Genetics (formerly Invitae), Labcorp
Classification: Pathogenic. Last evaluated: 2025-07-19. Review status: criteria provided, single submitter. Criteria: Invitae Variant Classification Sherloc (09022015). Collection method: clinical testing. Allele origin: germline.
Comment: This sequence change creates a premature translational stop signal (p.Leu1492Tyrfs*16) in the CHD8 gene. It is expected to result in an absent or disrupted protein product. Loss-of-function variants in CHD8 are known to be pathogenic (PMID: 24998929, 26789910). This variant is not present in population databases (gnomAD no frequency). This variant has not been reported in the literature in individuals affected with CHD8-related conditions. For these reasons, this variant has been classified as Pathogenic.

Literature cited by the submitters: PubMed 24998929; PubMed 26789910.